The following is an entry in ClinVar:

ClinVar aggregate classification (germline): Likely benign. Review status: criteria provided, multiple submitters, no conflicts (2 of 4 stars). 3 submissions from 3 submitters: Likely benign (3). Last evaluated 2026-01-18.

Conditions:
CDH23-related disorder. Also called: CDH23-related condition; CDH23-related disorders.

Allele frequency attached by ClinVar (database versions not stated): gnomAD exomes below 0.00001 and 0.00001; ExAC 0.00002; gnomAD 0.00003; TOPMed 0.00013.
gnomAD v4.1: 12 of 1,613,294 alleles (0.00074%); highest among the groups gnomAD compares: African/African-American, 0.0067%; no homozygotes.

Submissions (3):

Labcorp Genetics (formerly Invitae), Labcorp
Classification: Likely benign. Last evaluated: 2026-01-18. Review status: criteria provided, single submitter. Criteria: Invitae Variant Classification Sherloc (09022015). Collection method: clinical testing. Allele origin: germline.

PreventionGenetics, part of Exact Sciences
Classification: Likely benign for CDH23-related condition. Last evaluated: 2024-12-05. Review status: criteria provided, single submitter. Criteria: ACMG Guidelines, 2015. Collection method: clinical testing. Allele origin: germline.
Comment: This variant is classified as likely benign based on ACMG/AMP sequence variant interpretation guidelines (Richards et al. 2015 PMID: 25741868, with internal and published modifications).

Blueprint Genetics
Classification: Likely benign. Last evaluated: 2020-12-31. Review status: criteria provided, single submitter. Criteria: ACMG Guidelines, 2015. Collection method: clinical testing. Allele origin: germline.

NM_022124.6(CDH23):c.2250C>T (p.Asp750=)

Gene: CDH23 (cadherin related 23; plus strand). Cytogenetic location: 10q22.1.
Variant type: single nucleotide variant.
Coding change: c.2250C>T on transcript NM_022124.6 (MANE Select); coding-DNA position 2250, C replaced by T.
Protein change: p.Asp750=; no amino-acid change (aspartic acid 750 retained).
Molecular consequence: synonymous variant.
Genome position (GRCh38, 1-based): chr10:71,694,220, C>T. VCF-style: chr10-71694220-C-T. GRCh37 (hg19) VCF-style: chr10-73453977-C-T.
Other names: c.2250C>T, p.Asp750= (NM_001171930.2, NM_001171931.2); c.2250C>T (NM_022124.5).
Identifiers: ClinVar variation 1145443 (VCV001145443.11), dbSNP rs755494232, ClinGen allele CA5544138.